The following is an entry in ClinVar:

NM_001282933.2(ZNF341):c.2096C>T (p.Ala699Val)

Genes: ZNF341 (zinc finger protein 341; plus strand), ZNF341-AS1 (ZNF341 antisense RNA 1; minus strand). Cytogenetic location: 20q11.22.
Variant type: single nucleotide variant.
Coding change: c.2096C>T on transcript NM_001282933.2 (MANE Select); coding-DNA position 2096, C replaced by T.
Protein change: p.Ala699Val; replaces alanine 699 with valine.
Molecular consequence: missense variant. On other transcripts: non-coding transcript variant (1).
Genome position (GRCh38, 1-based): chr20:33,791,048, C>T. VCF-style: chr20-33791048-C-T. GRCh37 (hg19) VCF-style: chr20-32378854-C-T.
Other names: c.1826C>T, p.Ala609Val (NM_001282935.2); c.2075C>T, p.Ala692Val (NM_032819.5); short protein forms A609V, A692V, A699V.
Identifiers: ClinVar variation 1426006 (VCV001426006.5), dbSNP rs558538914, ClinGen allele CA9819699.

ClinVar aggregate classification (germline): Uncertain significance (1 of 4 stars; one submission).

Allele frequency attached by ClinVar (database versions not stated): gnomAD exomes below 0.00001 and 0.00001; ExAC 0.00001; gnomAD 0.00001 and 0.00003; TOPMed 0.00001; 1000 Genomes Project 30x 0.00031; 1000 Genomes Project 0.00040.
gnomAD v4.1: 8 of 1,613,610 alleles (0.0005%); highest among the groups gnomAD compares: East Asian, 0.016%; no homozygotes.

Submission:

Labcorp Genetics (formerly Invitae), Labcorp
Classification: Uncertain significance. Last evaluated: 2022-06-18. Review status: criteria provided, single submitter. Criteria: Invitae Variant Classification Sherloc (09022015). Collection method: clinical testing. Allele origin: germline.
Comment: This sequence change replaces alanine, which is neutral and non-polar, with valine, which is neutral and non-polar, at codon 692 of the ZNF341 protein (p.Ala692Val). This variant is present in population databases (rs558538914, gnomAD 0.02%). This variant has not been reported in the literature in individuals affected with ZNF341-related conditions. Algorithms developed to predict the effect of missense changes on protein structure and function output the following: SIFT: "Tolerated"; PolyPhen-2: "Benign"; Align-GVGD: "Class C0". The valine amino acid residue is found in multiple mammalian species, which suggests that this missense change does not adversely affect protein function. In summary, the available evidence is currently insufficient to determine the role of this variant in disease. Therefore, it has been classified as a Variant of Uncertain Significance.